The following is an entry in ClinVar:

NM_001372044.2(SHANK3):c.3577G>A (p.Ala1193Thr)

Gene: SHANK3 (SH3 and multiple ankyrin repeat domains 3; plus strand). Cytogenetic location: 22q13.33.
Variant type: single nucleotide variant.
Coding change: c.3577G>A on transcript NM_001372044.2 (MANE Select); coding-DNA position 3577, G replaced by A.
Protein change: p.Ala1193Thr; replaces alanine 1193 with threonine.
Molecular consequence: missense variant.
Genome position (GRCh38, 1-based): chr22:50,721,185, G>A. VCF-style: chr22-50721185-G-A. GRCh37 (hg19) VCF-style: chr22-51159613-G-A.
Other names: short protein forms A1193T.
Identifiers: ClinVar variation 3912012 (VCV003912012.2).

ClinVar aggregate classification (germline): Uncertain significance (1 of 4 stars; one submission).

Submission:

Women's Health and Genetics/Laboratory Corporation of America, LabCorp
Classification: Uncertain significance. Last evaluated: 2025-07-01. Review status: criteria provided, single submitter. Criteria: LabCorp Variant Classification Summary - May 2015. Collection method: clinical testing. Allele origin: germline.
Comment: Variant summary: SHANK3 c.3577G>A (p.Val1193Met) results in a conservative amino acid change in the encoded protein sequence. Algorithms developed to predict the effect of missense changes on protein structure and function are either unavailable or do not agree on the potential impact of this missense change. The variant was absent in 228776 control chromosomes (gnomAD). The available data on variant occurrences in the general population are insufficient to allow any conclusion about variant significance. To our knowledge, no occurrence of c.3577G>A in individuals affected with Phelan-McDermid Syndrome and no experimental evidence demonstrating its impact on protein function have been reported. No submitters have cited clinical-significance assessments for this variant to ClinVar. Based on the evidence outlined above, the variant was classified as uncertain significance.